The following is an entry in ClinVar:

NM_019844.4(SLCO1B3):c.925G>A (p.Ala309Thr)

Genes: SLCO1B3 (solute carrier organic anion transporter family member 1B3; plus strand), SLCO1B3-SLCO1B7 (SLCO1B3-SLCO1B7 readthrough; plus strand). Cytogenetic location: 12p12.2.
Variant type: single nucleotide variant.
Coding change: c.925G>A on transcript NM_019844.4 (MANE Select); coding-DNA position 925, G replaced by A.
Protein change: p.Ala309Thr; replaces alanine 309 with threonine.
Molecular consequence: missense variant.
Genome position (GRCh38, 1-based): chr12:20,875,432, G>A. VCF-style: chr12-20875432-G-A. GRCh37 (hg19) VCF-style: chr12-21028366-G-A.
Other names: c.925G>A, p.Ala309Thr (NM_001371097.1); c.841G>A, p.Ala281Thr (NM_001349920.2); short protein forms A281T, A309T.
Identifiers: ClinVar variation 4990046 (VCV004990046.1).

ClinVar aggregate classification (germline): Uncertain significance (1 of 4 stars; one submission).

Conditions:
SLCO1B3-related disorder. Also called: SLCO1B3-related condition.

Submission:

PreventionGenetics, part of Exact Sciences
Classification: Uncertain significance for SLCO1B3-related condition. Last evaluated: 2025-05-28. Review status: criteria provided, single submitter. Criteria: ACMG Guidelines, 2015. Collection method: clinical testing. Allele origin: germline.
Comment: The SLCO1B3 c.925G>A variant is predicted to result in the amino acid substitution p.Ala309Thr. To our knowledge, this variant has not been reported in the literature or in a large population database (gnomAD), indicating this variant is rare. At this time, the clinical significance of this variant is uncertain due to the absence of conclusive functional and genetic evidence.